The following is an entry in ClinVar:

ClinVar aggregate classification (germline): Uncertain significance (1 of 4 stars; one submission).

Submission:

Dasa
Classification: Uncertain significance. Last evaluated: 2025-12-15. Review status: criteria provided, single submitter. Criteria: DASA Assertion Criteria. Collection method: clinical testing. Allele origin: germline.
Comment: NM_001369.3(DNAH5):c.12690_12695del (p.Met4231_Asp4232del) is an in-frame deletion predicted to remove amino acids from methionine at protein position 4231 through aspartic acid at protein position 4232 without shifting the reading frame. This variant is rare in population databases. The currently available literature and clinical evidence are not sufficient to establish a definitive association between this variant and the reported condition. Therefore, this variant is classified as a variant of uncertain significance.

NM_001369.3(DNAH5):c.12690_12695del (p.Met4231_Asp4232del)

Gene: DNAH5 (dynein axonemal heavy chain 5; minus strand). Cytogenetic location: 5p15.2.
Variant type: Deletion.
Coding change: c.12690_12695del on transcript NM_001369.3 (MANE Select); coding-DNA positions 12690 to 12695, 6 bases deleted (CATGGA; older notation c.12690_12695delCATGGA).
Protein change: p.Met4231_Asp4232del.
Molecular consequence: inframe deletion.
Genome position (GRCh38, 1-based): chr5:13,717,325-13,717,330, TCCATG deleted on the plus strand (CATGGA on the coding strand, the reverse complement: DNAH5 is on the minus strand); deleting any 6 consecutive bases within chr5:13,717,325-13,717,332 gives the same sequence; the c. name uses the placement nearest the transcript's 3' end. VCF-style (leftmost placement, unchanged base first): chr5-13717324-ATCCATG-A. GRCh37 (hg19) VCF-style: chr5-13717433-ATCCATG-A.
Identifiers: ClinVar variation 4884083 (VCV004884083.2).